The following is an entry in ClinVar:

NM_000271.5(NPC1):c.2039dup (p.Leu680fs)

Gene: NPC1 (NPC intracellular cholesterol transporter 1; minus strand). Cytogenetic location: 18q11.2.
Variant type: Duplication.
Coding change: c.2039dup on transcript NM_000271.5 (MANE Select); coding-DNA position 2039, one base duplicated (T; older notation c.2039dupT).
Protein change: p.Leu680fs; shifts the reading frame from leucine 680.
Molecular consequence: frameshift variant.
Genome position (GRCh38, 1-based): chr18:23,544,435, A duplicated on the plus strand (T on the coding strand, the reverse complement: NPC1 is on the minus strand); the first of 2 consecutive A bases (chr18:23,544,435-23,544,436); duplicating either gives the same sequence. VCF-style (leftmost placement, unchanged base first): chr18-23544434-C-CA. GRCh37 (hg19) VCF-style: chr18-21124398-C-CA.
Other names: short protein forms L680fs.
Identifiers: ClinVar variation 1456154 (VCV001456154.6), dbSNP rs2145400078, ClinGen allele CA2573155270.
Genomic context (GRCh38, chr18:23,544,434, plus strand): 5'-GTCCACTCCAACAGCCAGCACCAGGAACGGGATGACTTCAATCACAATGAGGGTCAAGGG[C>CA]AACCCAATGTAGCTGAAGACACCCAAGGAGCAAGCCACCGAGCTCAGCACGATCAAGATG-3'

ClinVar aggregate classification (germline): Pathogenic (1 of 4 stars; one submission).

Conditions:
Niemann-Pick disease, type C1. Also called: NIEMANN-PICK DISEASE, VARIANT TYPE C1; NIEMANN-PICK DISEASE WITHOUT SPHINGOMYELINASE DEFICIENCY; NIEMANN-PICK DISEASE, CHRONIC NEURONOPATHIC FORM; NEUROVISCERAL STORAGE DISEASE WITH VERTICAL SUPRANUCLEAR OPHTHALMOPLEGIA; NIEMANN-PICK DISEASE WITH CHOLESTEROL ESTERIFICATION BLOCK. Identifiers: Orphanet 646, MedGen C3179455, MONDO:0009757, OMIM 257220.

Submission:

Labcorp Genetics (formerly Invitae), Labcorp
Classification: Pathogenic for Niemann-Pick disease, type C1. Last evaluated: 2022-03-18. Review status: criteria provided, single submitter. Criteria: Invitae Variant Classification Sherloc (09022015). Collection method: clinical testing. Allele origin: germline.
Comment: This variant has not been reported in the literature in individuals affected with NPC1-related conditions. This sequence change creates a premature translational stop signal (p.Leu680Phefs*9) in the NPC1 gene. It is expected to result in an absent or disrupted protein product. Loss-of-function variants in NPC1 are known to be pathogenic (PMID: 9211850). This variant is not present in population databases (gnomAD no frequency). For these reasons, this variant has been classified as Pathogenic.

Literature cited by the submitters: PubMed 9211850.